The following is an entry in ClinVar:

NM_000179.3(MSH6):c.2505_2506del (p.Asn836fs)

Gene: MSH6 (mutS homolog 6; plus strand). Cytogenetic location: 2p16.3.
Variant type: Deletion.
Coding change: c.2505_2506del on transcript NM_000179.3 (MANE Select); coding-DNA positions 2505 to 2506, 2 bases deleted (GA; older notation c.2505_2506delGA).
Protein change: p.Asn836fs; shifts the reading frame from asparagine 836.
Molecular consequence: frameshift variant. On other transcripts: non-coding transcript variant (5), intron variant (3).
Genome position (GRCh38, 1-based): chr2:47,800,488-47,800,489, GA deleted; deleting any 2 consecutive bases within chr2:47,800,487-47,800,489 gives the same sequence; the c. name uses the placement nearest the transcript's 3' end. VCF-style (leftmost placement, unchanged base first): chr2-47800486-CAG-C. GRCh37 (hg19) VCF-style: chr2-48027625-CAG-C.
Other names: c.2115_2116del, p.Asn706fs (NM_001281492.2); c.1599_1600del, p.Asn534fs (NM_001281493.2, NM_001281494.2, NM_001406811.1 and 6 more transcripts); c.2601_2602del, p.Asn868fs (NM_001406795.1, NM_001406802.1); c.2505_2506del, p.Asn836fs (NM_001406796.1, NM_001406798.1, NM_001406800.1 and 2 more transcripts); c.2208_2209del, p.Asn737fs (NM_001406797.1, NM_001406801.1, NM_001406805.1 and 10 more transcripts); c.1980_1981del, p.Asn661fs (NM_001406799.1, NM_001406806.1, NM_001406807.1); c.2427_2428del, p.Asn810fs (NM_001406804.1); c.2511_2512del, p.Asn838fs (NM_001406813.1); and 4 more; short protein forms N836fs, N661fs, N534fs, N706fs, N780fs, N810fs, N868fs, N737fs.
Identifiers: ClinVar variation 3913730 (VCV003913730.1).

ClinVar aggregate classification (germline): Pathogenic (1 of 4 stars; one submission).

Conditions:
Hereditary cancer-predisposing syndrome. Also called: Hereditary Cancer Syndrome; Hereditary neoplastic syndrome; Neoplastic Syndromes, Hereditary; Tumor predisposition. Identifiers: Orphanet 140162, MedGen C0027672, MeSH D009386, MONDO:0015356.

Submission:

Ambry Genetics
Classification: Pathogenic for Hereditary cancer-predisposing syndrome. Last evaluated: 2025-05-28. Review status: criteria provided, single submitter. Criteria: Ambry Variant Classification Scheme 2023. Collection method: clinical testing. Allele origin: germline.
Comment: The c.2505_2506delGA pathogenic mutation, located in coding exon 4 of the MSH6 gene, results from a deletion of two nucleotides at nucleotide positions 2505 to 2506, causing a translational frameshift with a predicted alternate stop codon (p.N836Pfs*10). This variant is considered to be rare based on population cohorts in the Genome Aggregation Database (gnomAD). This alteration is expected to result in loss of function by premature protein truncation or nonsense-mediated mRNA decay. As such, this alteration is interpreted as a disease-causing mutation.